The following is an entry in ClinVar:

ClinVar aggregate classification (germline): Likely benign. Review status: criteria provided, multiple submitters, no conflicts (2 of 4 stars). 3 submissions from 3 submitters: Likely benign (3). Last evaluated 2025-04-18.

Conditions:
Inborn genetic diseases. Identifiers: MedGen C0950123, MeSH D030342.
Dyskeratosis congenita, autosomal recessive 5 (DKCB5). Identifiers: MedGen C3554656, MONDO:0014076, OMIM 615190.
Pulmonary fibrosis and/or bone marrow failure, Telomere-related, 3. Also called: PULMONARY FIBROSIS AND/OR BONE MARROW FAILURE SYNDROME, TELOMERE-RELATED, 3. Identifiers: Orphanet 2032, MedGen C4225346, MONDO:0014613, OMIM 616373.

Allele frequency attached by ClinVar (database versions not stated): gnomAD exomes below 0.00001.
gnomAD v4.1: 6 of 1,602,856 alleles (0.00037%); highest among the groups gnomAD compares: Admixed American, 0.0034%; no homozygotes.

Submissions (3):

Ambry Genetics
Classification: Likely benign for Inborn genetic diseases. Last evaluated: 2025-04-18. Review status: criteria provided, single submitter. Criteria: Ambry Variant Classification Scheme 2023. Collection method: clinical testing. Allele origin: germline.

CeGaT Center for Human Genetics Tuebingen
Classification: Likely benign. Last evaluated: 2023-01-01. Review status: criteria provided, single submitter. Criteria: CeGaT Center For Human Genetics Tuebingen Variant Classification Criteria Version 2. Collection method: clinical testing. Allele origin: germline. Affected: yes. Observed: 1 variant allele.
Comment: RTEL1: BP4, BP7

Labcorp Genetics (formerly Invitae), Labcorp
Classification: Likely benign for Dyskeratosis congenita, autosomal recessive 5; Pulmonary fibrosis and/or bone marrow failure, Telomere-related, 3. Last evaluated: 2022-07-12. Review status: criteria provided, single submitter. Criteria: Invitae Variant Classification Sherloc (09022015). Collection method: clinical testing. Allele origin: germline.

NM_001283009.2(RTEL1):c.3642A>G (p.Ala1214=)

Genes: RTEL1 (regulator of telomere elongation helicase 1; plus strand), RTEL1-TNFRSF6B (RTEL1-TNFRSF6B readthrough (NMD candidate); plus strand). Cytogenetic location: 20q13.33.
Variant type: single nucleotide variant.
Coding change: c.3642A>G on transcript NM_001283009.2 (MANE Select); coding-DNA position 3642, A replaced by G.
Protein change: p.Ala1214=; no amino-acid change (alanine 1214 retained).
Molecular consequence: synonymous variant. On other transcripts: non-coding transcript variant (1).
Genome position (GRCh38, 1-based): chr20:63,695,470, A>G. VCF-style: chr20-63695470-A-G. GRCh37 (hg19) VCF-style: chr20-62326823-A-G.
Other names: c.2973A>G, p.Ala991= (NM_001283010.1); c.3642A>G, p.Ala1214= (NM_016434.4); c.3714A>G, p.Ala1238= (NM_032957.5).
Identifiers: ClinVar variation 1150824 (VCV001150824.33), dbSNP rs1228117671, ClinGen allele CA511661921.